The following is an entry in ClinVar:

NM_178012.5(TUBB2B):c.871C>A (p.Gln291Lys)

Gene: TUBB2B (tubulin beta 2B class IIb; minus strand). Cytogenetic location: 6p25.2.
Variant type: single nucleotide variant.
Coding change: c.871C>A on transcript NM_178012.5 (MANE Select); coding-DNA position 871, C replaced by A.
Protein change: p.Gln291Lys; replaces glutamine 291 with lysine.
Molecular consequence: missense variant.
Genome position (GRCh38, 1-based): chr6:3,225,218, G>T on the plus strand (C>A on the coding strand, the complement: TUBB2B is on the minus strand). VCF-style: chr6-3225218-G-T. GRCh37 (hg19) VCF-style: chr6-3225452-G-T.
Other names: NM_178012.5(TUBB2B):c.871C>A; p.Gln291Lys; short protein forms Q291K.
Identifiers: ClinVar variation 437125 (VCV000437125.8), dbSNP rs1554126886, ClinGen allele CA362586631.

ClinVar aggregate classification (germline): Likely pathogenic. Review status: criteria provided, multiple submitters, no conflicts (2 of 4 stars). 3 submissions from 3 submitters: Likely pathogenic (2). 1 of the submissions does not count toward it. Last evaluated 2024-05-22.

Conditions:
Complex cortical dysplasia with other brain malformations 7. Identifiers: Orphanet 300573, MedGen C3552236, MONDO:0012399, OMIM 610031.
Lissencephaly. Also called: Lissencephaly spectrum disorders. Identifiers: Orphanet 48471, MedGen C0266463, MeSH D054082, MONDO:0018838, HP:0001339.

Submissions (3):

Broad Center for Mendelian Genomics, Broad Institute of MIT and Harvard
Classification: Likely pathogenic for Complex cortical dysplasia with other brain malformations 7. Last evaluated: 2024-05-22. Review status: criteria provided, single submitter. Criteria: ACMG Guidelines, 2015. Collection method: curation. Allele origin: germline. Inheritance: Autosomal dominant inheritance.
Comment: Trio exome analysis showed this variant to be de novo. This variant was found to be de novo in 1 individual with confirmed paternity and maternity (PMID: 29671837), but was absent from large population studies. This variant has been reported in ClinVar (Variation ID: 437125) and has been interpreted as likely pathogenic by University of Chicago Genetic Services Laboratory and University of Washington Center for Mendelian Genomics. Computational prediction tools and conservation analyses suggest that this variant may impact the protein, though this information is not predictive enough to determine pathogenicity. The number of missense variants reported in TUBB2B in the general population is lower than expected, suggesting there is little benign variation in this gene and slightly increasing the possibility that a missense variant in this gene may not be tolerated. In summary, although additional studies are required to fully establish its clinical significance, this variant is likely pathogenic for autosomal dominant cortical dysplasia, complex, with other brain malformations 7. ACMG/AMP Criteria applied: PS2, PM2_Supporting, PP3, PP2 (Richards 2015).

Genetic Services Laboratory, University of Chicago
Classification: Likely pathogenic for Complex cortical dysplasia with other brain malformations 7. Last evaluated: 2015-11-19. Review status: criteria provided, single submitter. Criteria: ACMG Guidelines, 2015. Collection method: clinical testing. Allele origin: germline. Affected: yes.

University of Washington Center for Mendelian Genomics, University of Washington
Classification: Likely pathogenic for lissencephaly. Review status: no assertion criteria provided. Collection method: research. Allele origin: de novo. Affected: yes. Not counted in ClinVar's aggregate classification.

Literature cited by the submitters: PubMed 29671837 (cited by University of Washington Center for Mendelian Genomics, University of Washington).